The following is an entry in ClinVar:

NM_198253.3(TERT):c.1436G>A (p.Gly479Asp)

Gene: TERT (telomerase reverse transcriptase; minus strand). Cytogenetic location: 5p15.33.
Variant type: single nucleotide variant.
Coding change: c.1436G>A on transcript NM_198253.3 (MANE Select); coding-DNA position 1436, G replaced by A.
Protein change: p.Gly479Asp; replaces glycine 479 with aspartic acid.
Molecular consequence: missense variant. On other transcripts: non-coding transcript variant (2).
Genome position (GRCh38, 1-based): chr5:1,293,450, C>T on the plus strand (G>A on the coding strand, the complement: TERT is on the minus strand). VCF-style: chr5-1293450-C-T. GRCh37 (hg19) VCF-style: chr5-1293565-C-T.
Other names: c.1436G>A, p.Gly479Asp (NM_001193376.3); short protein forms G479D.
Identifiers: ClinVar variation 663274 (VCV000663274.11), dbSNP rs1579596341, ClinGen allele CA359085639.

ClinVar aggregate classification (germline): Uncertain significance. Review status: criteria provided, multiple submitters, no conflicts (2 of 4 stars). 2 submissions from 2 submitters: Uncertain significance (2). Last evaluated 2022-02-27.

Conditions:
Dyskeratosis congenita. Identifiers: Orphanet 1775, MedGen C0265965, MONDO:0015780.
Idiopathic Pulmonary Fibrosis. Also called: Idiopathic fibrosing alveolitis, chronic form; idiopathic fibrosing alveolitis. Identifiers: Orphanet 2032, MedGen C1800706, MeSH D054990, MONDO:0800504.
Dyskeratosis congenita, autosomal dominant 2. Identifiers: MedGen C3151443, MONDO:0013521, OMIM 613989.

Submissions (2):

Ambry Genetics
Classification: Uncertain significance for Dyskeratosis congenita. Last evaluated: 2022-02-27. Review status: criteria provided, single submitter. Criteria: Ambry Variant Classification Scheme 2023. Collection method: clinical testing. Allele origin: germline.
Comment: The p.G479D variant (also known as c.1436G>A), located in coding exon 2 of the TERT gene, results from a G to A substitution at nucleotide position 1436. The glycine at codon 479 is replaced by aspartic acid, an amino acid with similar properties. This amino acid position is conserved. In addition, this alteration is predicted to be deleterious by in silico analysis. Since supporting evidence is limited at this time, the clinical significance of this alteration remains unclear.

Labcorp Genetics (formerly Invitae), Labcorp
Classification: Uncertain significance for Dyskeratosis congenita, autosomal dominant 2; Idiopathic Pulmonary Fibrosis. Last evaluated: 2018-07-13. Review status: criteria provided, single submitter. Criteria: Invitae Variant Classification Sherloc (09022015). Collection method: clinical testing. Allele origin: germline.
Comment: In summary, the available evidence is currently insufficient to determine the role of this variant in disease. Therefore, it has been classified as a Variant of Uncertain Significance. Algorithms developed to predict the effect of missense changes on protein structure and function (SIFT, PolyPhen-2, Align-GVGD) all suggest that this variant is likely to be disruptive, but these predictions have not been confirmed by published functional studies and their clinical significance is uncertain. This variant has not been reported in the literature in individuals with TERT-related disease. This variant is not present in population databases (ExAC no frequency). This sequence change replaces glycine with aspartic acid at codon 479 of the TERT protein (p.Gly479Asp). The glycine residue is highly conserved and there is a moderate physicochemical difference between glycine and aspartic acid.